The following is an entry in ClinVar:

ClinVar aggregate classification (germline): Uncertain significance. Review status: criteria provided, multiple submitters, no conflicts (2 of 4 stars). 2 submissions from 2 submitters: Uncertain significance (2). Last evaluated 2025-08-25.

Conditions:
Hereditary cancer-predisposing syndrome. Also called: Neoplastic Syndromes, Hereditary; Tumor predisposition; Hereditary neoplastic syndrome; Hereditary Cancer Syndrome. Identifiers: Orphanet 140162, MedGen C0027672, MeSH D009386, MONDO:0015356.
Retinoblastoma (RB1). Also called: RETINOBLASTOMA, SOMATIC. Identifiers: Orphanet 790, MedGen C0035335, MeSH D012175, MONDO:0008380, OMIM 180200, HP:0009919. Disease mechanism: loss of function. Inheritance: Both sporadic and heritable forms are tested..

Submissions (2):

Ambry Genetics
Classification: Uncertain significance for Hereditary cancer-predisposing syndrome. Last evaluated: 2025-08-25. Review status: criteria provided, single submitter. Criteria: Ambry Variant Classification Scheme 2023. Collection method: clinical testing. Allele origin: germline.
Comment: The p.V128L variant (also known as c.382G>C), located in coding exon 4 of the RB1 gene, results from a G to C substitution at nucleotide position 382. The valine at codon 128 is replaced by leucine, an amino acid with highly similar properties. This amino acid position is conserved. In addition, this alteration is predicted to be tolerated by in silico analysis. Based on the available evidence, the clinical significance of this variant remains unclear.

Labcorp Genetics (formerly Invitae), Labcorp
Classification: Uncertain significance for Retinoblastoma. Last evaluated: 2021-01-13. Review status: criteria provided, single submitter. Criteria: Invitae Variant Classification Sherloc (09022015). Collection method: clinical testing. Allele origin: germline.
Comment: In summary, the available evidence is currently insufficient to determine the role of this variant in disease. Therefore, it has been classified as a Variant of Uncertain Significance. Algorithms developed to predict the effect of missense changes on protein structure and function (SIFT, PolyPhen-2, Align-GVGD) all suggest that this variant is likely to be tolerated, but these predictions have not been confirmed by published functional studies and their clinical significance is uncertain. This variant has not been reported in the literature in individuals with RB1-related conditions. This variant is not present in population databases (ExAC no frequency). This sequence change replaces valine with leucine at codon 128 of the RB1 protein (p.Val128Leu). The valine residue is highly conserved and there is a small physicochemical difference between valine and leucine.

NM_000321.3(RB1):c.382G>C (p.Val128Leu)

Gene: RB1 (RB transcriptional corepressor 1; plus strand). Cytogenetic location: 13q14.2.
Variant type: single nucleotide variant.
Coding change: c.382G>C on transcript NM_000321.3 (MANE Select); coding-DNA position 382, G replaced by C.
Protein change: p.Val128Leu; replaces valine 128 with leucine.
Molecular consequence: missense variant.
Genome position (GRCh38, 1-based): chr13:48,345,081, G>C. VCF-style: chr13-48345081-G-C. GRCh37 (hg19) VCF-style: chr13-48919217-G-C.
Other names: c.382G>C (NM_000321.2); short protein forms V128L.
Identifiers: ClinVar variation 1364630 (VCV001364630.9), dbSNP rs1952480074, ClinGen allele CA388252593.